The following is an entry in ClinVar:

ClinVar aggregate classification (germline): Uncertain significance. Review status: criteria provided, multiple submitters, no conflicts (2 of 4 stars). 5 submissions from 5 submitters: Uncertain significance (5). Last evaluated 2024-11-08.

Conditions:
Congenital myasthenic syndrome 5. Identifiers: Orphanet 590, MedGen C1864233, MONDO:0011281, OMIM 603034.
Inborn genetic diseases. Identifiers: MedGen C0950123, MeSH D030342.

Allele frequency attached by ClinVar (database versions not stated): ExAC 0.00007; gnomAD 0.00014 and 0.00016; TOPMed 0.00021; ESP Exome Variant Server 0.00023.
gnomAD v4.1: 416 of 1,613,976 alleles (0.026%); highest among the groups gnomAD compares: Non-Finnish European, 0.033%; no homozygotes.

Submissions (5):

Ambry Genetics
Classification: Uncertain significance for Inborn genetic diseases. Last evaluated: 2024-11-08. Review status: criteria provided, single submitter. Criteria: Ambry Variant Classification Scheme 2023. Collection method: clinical testing. Allele origin: germline.

Labcorp Genetics (formerly Invitae), Labcorp
Classification: Uncertain significance for Congenital myasthenic syndrome 5. Last evaluated: 2022-08-18. Review status: criteria provided, single submitter. Criteria: Invitae Variant Classification Sherloc (09022015). Collection method: clinical testing. Allele origin: germline.
Comment: This sequence change replaces proline, which is neutral and non-polar, with leucine, which is neutral and non-polar, at codon 263 of the COLQ protein (p.Pro263Leu). This variant is present in population databases (rs146619514, gnomAD 0.01%). This variant has not been reported in the literature in individuals affected with COLQ-related conditions. ClinVar contains an entry for this variant (Variation ID: 343849). Algorithms developed to predict the effect of missense changes on protein structure and function are either unavailable or do not agree on the potential impact of this missense change (SIFT: "Deleterious"; PolyPhen-2: "Not Available"; Align-GVGD: "Class C0"). In summary, the available evidence is currently insufficient to determine the role of this variant in disease. Therefore, it has been classified as a Variant of Uncertain Significance.

Institute of Human Genetics, University of Leipzig Medical Center
Classification: Uncertain significance for Congenital myasthenic syndrome 5. Last evaluated: 2019-07-23. Review status: criteria provided, single submitter. Criteria: ACMG Guidelines, 2015. Collection method: clinical testing. Allele origin: germline. Affected: yes. Observed: 1 variant allele.
Comment: This variant was identified as homozygous

Illumina Laboratory Services, Illumina
Classification: Uncertain significance for Congenital myasthenic syndrome 5. Last evaluated: 2018-01-13. Review status: criteria provided, single submitter. Criteria: ICSL Variant Classification Criteria 13 December 2019. Collection method: clinical testing. Allele origin: germline.

CeGaT Center for Human Genetics Tuebingen
Classification: Uncertain significance. Last evaluated: 2017-09-01. Review status: criteria provided, single submitter. Criteria: CeGaT Center For Human Genetics Tuebingen Variant Classification Criteria Version 2. Collection method: clinical testing. Allele origin: germline. Affected: yes. Observed: 1 variant allele.

NM_005677.4(COLQ):c.788C>T (p.Pro263Leu)

Gene: COLQ (collagen like tail subunit of asymmetric acetylcholinesterase; minus strand). Cytogenetic location: 3p25.1.
Variant type: single nucleotide variant.
Coding change: c.788C>T on transcript NM_005677.4 (MANE Select); coding-DNA position 788, C replaced by T.
Protein change: p.Pro263Leu; replaces proline 263 with leucine.
Molecular consequence: missense variant.
Genome position (GRCh38, 1-based): chr3:15,466,367, G>A on the plus strand (C>T on the coding strand, the complement: COLQ is on the minus strand). VCF-style: chr3-15466367-G-A. GRCh37 (hg19) VCF-style: chr3-15507874-G-A.
Other names: c.758C>T, p.Pro253Leu (NM_080538.2); c.686C>T, p.Pro229Leu (NM_080539.4); short protein forms P263L, P229L, P253L.
Identifiers: ClinVar variation 343849 (VCV000343849.52), dbSNP rs146619514, ClinGen allele CA2275973.